The following is an entry in ClinVar:

ClinVar aggregate classification (germline): Likely pathogenic (1 of 4 stars; one submission).

gnomAD v4.1: 1 of 1,598,620 alleles (0.000063%); highest among the groups gnomAD compares: Non-Finnish European, 0.000085%; no homozygotes.

Submission:

GeneDx
Classification: Likely pathogenic. Last evaluated: 2025-09-13. Review status: criteria provided, single submitter. Criteria: GeneDx Variant Classification Process June 2021. Collection method: clinical testing. Allele origin: germline. Affected: yes.
Comment: Canonical splice site variant predicted to result in a null allele in a gene for which loss of function is a known mechanism of disease; Not observed at significant frequency in large population cohorts (gnomAD); Has not been previously published as pathogenic or benign to our knowledge

NM_002340.6(LSS):c.1670+1G>T

Gene: LSS (lanosterol synthase; minus strand). Cytogenetic location: 21q22.3.
Variant type: single nucleotide variant.
Coding change: c.1670+1G>T on transcript NM_002340.6 (MANE Select); the canonical splice donor site of the intron after coding-DNA position 1670, G replaced by T.
Molecular consequence: splice donor variant.
Genome position (GRCh38, 1-based): chr21:46,205,835, C>A on the plus strand (G>T on the coding strand, the complement: LSS is on the minus strand). VCF-style: chr21-46205835-C-A. GRCh37 (hg19) VCF-style: chr21-47625749-C-A.
Other names: c.1637+1G>T (NM_001145436.2); c.1670+1G>T (NM_001001438.3); c.1430+1G>T (NM_001145437.2).
Identifiers: ClinVar variation 4813367 (VCV004813367.1).
Genomic context (GRCh38, chr21:46,205,835, plus strand): 5'-CGTCTGGGTCTTGGCCCCCGACTTGGCAGCGCCCACACTGAATGGCTGAGACCCTCCTTA[C>A]CGGATCTCCGCTGCCCTGTGCTCCGGGAAACGCTTGTGGAAATACTTAAGCGCCTGCATC-3'